The following is an entry in ClinVar:

NM_014795.4(ZEB2):c.3210C>G (p.Tyr1070Ter)

Gene: ZEB2 (zinc finger E-box binding homeobox 2; minus strand). Cytogenetic location: 2q22.3.
Variant type: single nucleotide variant.
Coding change: c.3210C>G on transcript NM_014795.4 (MANE Select); coding-DNA position 3210, C replaced by G.
Protein change: p.Tyr1070Ter; replaces tyrosine 1070 with a stop codon.
Molecular consequence: nonsense.
Genome position (GRCh38, 1-based): chr2:144,389,886, G>C on the plus strand (C>G on the coding strand, the complement: ZEB2 is on the minus strand). VCF-style: chr2-144389886-G-C. GRCh37 (hg19) VCF-style: chr2-145147453-G-C.
Other names: c.3138C>G, p.Tyr1046Ter (NM_001171653.2); short protein forms Y1046*, Y1070*.
Identifiers: ClinVar variation 1339065 (VCV001339065.2), dbSNP rs2149872632, ClinGen allele CA348700303.

ClinVar aggregate classification (germline): Uncertain significance (1 of 4 stars; one submission).

Conditions:
Mowat-Wilson syndrome (MOWS). Also called: Classic Mowat-Wilson Syndrome. Identifiers: Orphanet 2152, MedGen C1856113, MONDO:0009341, OMIM 235730.

Submission:

Neuberg Centre For Genomic Medicine, NCGM
Classification: Uncertain significance for Mowat-Wilson syndrome. Review status: criteria provided, single submitter. Criteria: ACMG Guidelines, 2015. Collection method: clinical testing. Allele origin: germline. Affected: yes.
Comment: The stop gained p.Y1070* in ZEB2 (NM_014795.4) has not been reported previously as a pathogenic variant nor as a benign variant, to our knowledge. The p.Y1070* variant is novel (not in any individuals) in gnomAD Exomes and is novel (not in any individuals) in 1000 Genomes. This variant is present in the last exon and hence functional studies will be required to prove nonsense mediated decay. Another termination Gln1072X has been reported previously as a de novo mutation in a patient affected with Mowat Wilson syndrome. For these reasons, this variant has been classified as Uncertain Significance.